The following is an entry in ClinVar:

NM_173630.4(RTTN):c.3831G>A (p.Pro1277=)

Gene: RTTN (rotatin; minus strand). Cytogenetic location: 18q22.2.
Variant type: single nucleotide variant.
Coding change: c.3831G>A on transcript NM_173630.4 (MANE Select); coding-DNA position 3831, G replaced by A.
Protein change: p.Pro1277=; no amino-acid change (proline 1277 retained).
Molecular consequence: synonymous variant.
Genome position (GRCh38, 1-based): chr18:70,109,570, C>T on the plus strand (G>A on the coding strand, the complement: RTTN is on the minus strand). VCF-style: chr18-70109570-C-T. GRCh37 (hg19) VCF-style: chr18-67776806-C-T.
Other names: c.1095G>A, p.Pro365= (NM_001318520.2).
Identifiers: ClinVar variation 1377182 (VCV001377182.27), dbSNP rs370572467, ClinGen allele CA8995482.

ClinVar aggregate classification (germline): Likely benign. Review status: criteria provided, multiple submitters, no conflicts (2 of 4 stars). 2 submissions from 2 submitters: Likely benign (2). Last evaluated 2025-12-16.

Allele frequency attached by ClinVar (database versions not stated): ExAC 0.00011; gnomAD exomes 0.00011; TOPMed 0.00015; gnomAD 0.00016; ESP Exome Variant Server 0.00024.

Submissions (2):

Labcorp Genetics (formerly Invitae), Labcorp
Classification: Likely benign. Last evaluated: 2025-12-16. Review status: criteria provided, single submitter. Criteria: Invitae Variant Classification Sherloc (09022015). Collection method: clinical testing. Allele origin: germline.

CeGaT Center for Human Genetics Tuebingen
Classification: Likely benign. Last evaluated: 2024-03-01. Review status: criteria provided, single submitter. Criteria: CeGaT Center For Human Genetics Tuebingen Variant Classification Criteria Version 2. Collection method: clinical testing. Allele origin: germline. Affected: yes. Observed: 1 variant allele.
Comment: RTTN: BP4, BP7